The following is an entry in ClinVar:

NM_001079843.3(CASZ1):c.755_756delinsAA (p.Leu252Gln)

Gene: CASZ1 (castor zinc finger 1; minus strand). Cytogenetic location: 1p36.22.
Variant type: Indel.
Coding change: c.755_756delinsAA on transcript NM_001079843.3 (MANE Select); coding-DNA positions 755 to 756, TC replaced by AA.
Protein change: p.Leu252Gln; replaces leucine 252 with glutamine.
Molecular consequence: missense variant.
Genome position (GRCh38, 1-based): chr1:10,660,286-10,660,287, GA replaced by TT on the plus strand (TC replaced by AA on the coding strand, the reverse complement: CASZ1 is on the minus strand). VCF-style: chr1-10660286-GA-TT. GRCh37 (hg19) VCF-style: chr1-10720343-GA-TT.
Other names: c.755_756delinsAA, p.Leu252Gln (NM_017766.5); short protein forms L252Q.
Identifiers: ClinVar variation 3769667 (VCV003769667.1).

ClinVar aggregate classification (germline): Uncertain significance (1 of 4 stars; one submission).

Submission:

GeneDx
Classification: Uncertain significance. Last evaluated: 2024-09-12. Review status: criteria provided, single submitter. Criteria: GeneDx Variant Classification Process June 2021. Collection method: clinical testing. Allele origin: germline. Affected: yes.
Comment: Not observed at significant frequency in large population cohorts (gnomAD); In silico analysis supports a deleterious effect on protein structure/function; Has not been previously published as pathogenic or benign to our knowledge